The following is an entry in ClinVar:

ClinVar aggregate classification (germline): Uncertain significance. Review status: criteria provided, multiple submitters, no conflicts (2 of 4 stars). 2 submissions from 2 submitters: Uncertain significance (2). Last evaluated 2025-09-30.

Conditions:
LZTR1-related schwannomatosis. Also called: Schwannomatosis-2, susceptibility to; Schwannomatosis 2. Identifiers: Orphanet 93921, MedGen C3810283, MONDO:0014299, OMIM 615670.

Submissions (2):

Labcorp Genetics (formerly Invitae), Labcorp
Classification: Uncertain significance. Last evaluated: 2025-09-30. Review status: criteria provided, single submitter. Criteria: Invitae Variant Classification Sherloc (09022015). Collection method: clinical testing. Allele origin: germline.
Comment: This sequence change replaces lysine, which is basic and polar, with arginine, which is basic and polar, at codon 375 of the LZTR1 protein (p.Lys375Arg). This variant is not present in population databases (gnomAD no frequency). This variant has not been reported in the literature in individuals affected with LZTR1-related conditions. ClinVar contains an entry for this variant (Variation ID: 1350681). Invitae Evidence Modeling of protein sequence and biophysical properties (such as structural, functional, and spatial information, amino acid conservation, physicochemical variation, residue mobility, and thermodynamic stability) indicates that this missense variant is not expected to disrupt LZTR1 protein function with a negative predictive value of 80%. In summary, the available evidence is currently insufficient to determine the role of this variant in disease. Therefore, it has been classified as a Variant of Uncertain Significance.

Baylor Genetics
Classification: Uncertain significance for LZTR1-related schwannomatosis. Last evaluated: 2023-05-24. Review status: criteria provided, single submitter. Criteria: ACMG Guidelines, 2015. Collection method: clinical testing. Allele origin: unknown.

NM_006767.4(LZTR1):c.1124A>G (p.Lys375Arg)

Gene: LZTR1 (leucine zipper like post translational regulator 1; plus strand). Cytogenetic location: 22q11.21.
Variant type: single nucleotide variant.
Coding change: c.1124A>G on transcript NM_006767.4 (MANE Select); coding-DNA position 1124, A replaced by G.
Protein change: p.Lys375Arg; replaces lysine 375 with arginine.
Molecular consequence: missense variant.
Genome position (GRCh38, 1-based): chr22:20,992,344, A>G. VCF-style: chr22-20992344-A-G. GRCh37 (hg19) VCF-style: chr22-21346633-A-G.
Other names: short protein forms K375R.
Identifiers: ClinVar variation 1350681 (VCV001350681.9), dbSNP rs2147965561, ClinGen allele CA410782104.
Genomic context (GRCh38, chr22:20,992,344, plus strand): 5'-GGGTTGGCTTCAAGAAGTCCCGAGATGTGTTTGGCCTGGACTTTGGCACCACCTCAGCCA[A>G]GCAGCCCACCCAGCCTGCCTCGGAGGTACAGGCTGGGATCCTCATTAAGACTCCATCACC-3'
Protein context (NP_006758.2, residues 365-385): FGLDFGTTSA[Lys375Arg]QPTQPASELP